The following is an entry in ClinVar:

NM_002386.4(MC1R):c.831C>G (p.Phe277Leu)

Gene: MC1R (melanocortin 1 receptor; plus strand). Cytogenetic location: 16q24.3.
Variant type: single nucleotide variant.
Coding change: c.831C>G on transcript NM_002386.4 (MANE Select); coding-DNA position 831, C replaced by G.
Protein change: p.Phe277Leu; replaces phenylalanine 277 with leucine.
Molecular consequence: missense variant.
Genome position (GRCh38, 1-based): chr16:89,920,089, C>G. VCF-style: chr16-89920089-C-G. GRCh37 (hg19) VCF-style: chr16-89986497-C-G.
Other names: short protein forms F277L.
Identifiers: ClinVar variation 573355 (VCV000573355.9), dbSNP rs778370171, ClinGen allele CA8255768.

ClinVar aggregate classification (germline): Uncertain significance. Review status: criteria provided, multiple submitters, no conflicts (2 of 4 stars). 2 submissions from 2 submitters: Uncertain significance (2). Last evaluated 2025-04-07.

Conditions:
Melanoma, cutaneous malignant, susceptibility to, 5. Also called: Cutaneous malignant melanoma 5. Identifiers: Orphanet 618, MedGen C2751295, MONDO:0013133, OMIM 613099.

Allele frequency attached by ClinVar (database versions not stated): gnomAD below 0.00001 and 0.00002; gnomAD exomes below 0.00001; ExAC 0.00001.
gnomAD v4.1: 6 of 1,613,956 alleles (0.00037%); highest among the groups gnomAD compares: South Asian, 0.0044%; no homozygotes.

Submissions (2):

Labcorp Genetics (formerly Invitae), Labcorp
Classification: Uncertain significance for Melanoma, cutaneous malignant, susceptibility to, 5. Last evaluated: 2025-04-07. Review status: criteria provided, single submitter. Criteria: Invitae Variant Classification Sherloc (09022015). Collection method: clinical testing. Allele origin: germline.
Comment: This sequence change replaces phenylalanine, which is neutral and non-polar, with leucine, which is neutral and non-polar, at codon 277 of the MC1R protein (p.Phe277Leu). This variant is present in population databases (rs778370171, gnomAD no frequency). This variant has not been reported in the literature in individuals affected with MC1R-related conditions. ClinVar contains an entry for this variant (Variation ID: 573355). Invitae Evidence Modeling of protein sequence and biophysical properties (such as structural, functional, and spatial information, amino acid conservation, physicochemical variation, residue mobility, and thermodynamic stability) indicates that this missense variant is not expected to disrupt MC1R protein function with a negative predictive value of 80%. In summary, the available evidence is currently insufficient to determine the role of this variant in disease. Therefore, it has been classified as a Variant of Uncertain Significance.

Ambry Genetics
Classification: Uncertain significance. Last evaluated: 2025-03-26. Review status: criteria provided, single submitter. Criteria: Ambry Variant Classification Scheme 2023. Collection method: clinical testing. Allele origin: germline.
Comment: The p.F277L variant (also known as c.831C>G), located in coding exon 1 of the MC1R gene, results from a C to G substitution at nucleotide position 831. The phenylalanine at codon 277 is replaced by leucine, an amino acid with highly similar properties. This amino acid position is conserved. In addition, the in silico prediction for this alteration is inconclusive. Based on the available evidence, the clinical significance of this variant remains unclear.